The following is an entry in ClinVar:

NM_000083.3(CLCN1):c.1437A>G (p.Ile479Met)

Gene: CLCN1 (chloride voltage-gated channel 1; plus strand). Cytogenetic location: 7q34.
Variant type: single nucleotide variant.
Coding change: c.1437A>G on transcript NM_000083.3 (MANE Select); coding-DNA position 1437, A replaced by G.
Protein change: p.Ile479Met; replaces isoleucine 479 with methionine.
Molecular consequence: missense variant. On other transcripts: non-coding transcript variant (1).
Genome position (GRCh38, 1-based): chr7:143,339,288, A>G. VCF-style: chr7-143339288-A-G. GRCh37 (hg19) VCF-style: chr7-143036381-A-G.
Other names: short protein forms I479M.
Identifiers: ClinVar variation 2635019 (VCV002635019.1), dbSNP rs2487082669, ClinGen allele CA369645352.
Genomic context (GRCh38, chr7:143,339,288, plus strand): 5'-ATTCCAACGCTTCTTTCTACTCCAGTTCTGGATGTCCATCGTGGCCACCACTATGCCCAT[A>G]CCCTGCGGAGGCTTCATGCCTGTGTTTGTGCTAGGTAAGTTCTGATGGGAAGCCTGGGGT-3'
Protein context (NP_000074.3, residues 469-489): WMSIVATTMP[Ile479Met]PCGGFMPVFV

ClinVar aggregate classification (germline): Uncertain significance (1 of 4 stars; one submission).

Conditions:
CLCN1-related disorder. Also called: CLCN1-related condition.

Allele frequency attached by ClinVar (database versions not stated): gnomAD exomes below 0.00001.
gnomAD v4.1: 2 of 1,613,270 alleles (0.00012%); highest among the groups gnomAD compares: Non-Finnish European, 0.00017%; no homozygotes.

Submission:

PreventionGenetics, part of Exact Sciences
Classification: Uncertain significance for CLCN1-related condition. Last evaluated: 2023-07-07. Review status: criteria provided, single submitter. Criteria: ACMG Guidelines, 2015. Collection method: clinical testing. Allele origin: germline.
Comment: The CLCN1 c.1437A>G variant is predicted to result in the amino acid substitution p.Ile479Met. To our knowledge, this variant has not been reported in the literature or in a large population database, indicating this variant is rare. At this time, the clinical significance of this variant is uncertain due to the absence of conclusive functional and genetic evidence.